The following is an entry in ClinVar:

ClinVar aggregate classification (germline): Uncertain significance (1 of 4 stars; one submission).

Conditions:
Hypertrophic cardiomyopathy. Also called: HYPERTROPHIC MYOCARDIOPATHY. Identifiers: Orphanet 217569, MedGen C0007194, MeSH D002312, MONDO:0005045, HP:0001639.

Submission:

Labcorp Genetics (formerly Invitae), Labcorp
Classification: Uncertain significance for Hypertrophic cardiomyopathy. Last evaluated: 2025-01-13. Review status: criteria provided, single submitter. Criteria: Invitae Variant Classification Sherloc (09022015). Collection method: clinical testing. Allele origin: germline.
Comment: This sequence change replaces alanine, which is neutral and non-polar, with threonine, which is neutral and polar, at codon 393 of the MYH7 protein (p.Ala393Thr). This variant is not present in population databases (gnomAD no frequency). This missense change has been observed in individual(s) with hypertrophic cardiomyopathy (PMID: 12975413). Invitae Evidence Modeling of protein sequence and biophysical properties (such as structural, functional, and spatial information, amino acid conservation, physicochemical variation, residue mobility, and thermodynamic stability) indicates that this missense variant is expected to disrupt MYH7 protein function with a positive predictive value of 95%. In summary, the available evidence is currently insufficient to determine the role of this variant in disease. Therefore, it has been classified as a Variant of Uncertain Significance.

Literature cited by the submitters: PubMed 12975413.

NM_000257.4(MYH7):c.1177G>A (p.Ala393Thr)

Gene: MYH7 (myosin heavy chain 7; minus strand). Cytogenetic location: 14q11.2.
Variant type: single nucleotide variant.
Coding change: c.1177G>A on transcript NM_000257.4 (MANE Select); coding-DNA position 1177, G replaced by A.
Protein change: p.Ala393Thr; replaces alanine 393 with threonine.
Molecular consequence: missense variant.
Genome position (GRCh38, 1-based): chr14:23,429,309, C>T on the plus strand (G>A on the coding strand, the complement: MYH7 is on the minus strand). VCF-style: chr14-23429309-C-T. GRCh37 (hg19) VCF-style: chr14-23898518-C-T.
Other names: c.1177G>A, p.Ala393Thr (NM_001407004.1); short protein forms A393T.
Identifiers: ClinVar variation 3636049 (VCV003636049.2).